The following is an entry in ClinVar:

ClinVar aggregate classification (germline): Uncertain significance (1 of 4 stars; one submission).

Conditions:
Joubert syndrome 14 (JBTS14). Identifiers: MedGen C3280766, MONDO:0013745, OMIM 614424.

Allele frequency attached by ClinVar (database versions not stated): gnomAD exomes below 0.00001.
gnomAD v4.1: 2 of 1,569,998 alleles (0.00013%); highest among the groups gnomAD compares: Non-Finnish European, 0.00017%; no homozygotes.

Submission:

Labcorp Genetics (formerly Invitae), Labcorp
Classification: Uncertain significance for Joubert syndrome 14. Last evaluated: 2022-09-01. Review status: criteria provided, single submitter. Criteria: Invitae Variant Classification Sherloc (09022015). Collection method: clinical testing. Allele origin: germline.
Comment: In summary, the available evidence is currently insufficient to determine the role of this variant in disease. Therefore, it has been classified as a Variant of Uncertain Significance. This sequence change replaces isoleucine, which is neutral and non-polar, with threonine, which is neutral and polar, at codon 285 of the TMEM237 protein (p.Ile285Thr). This variant is present in population databases (no rsID available, gnomAD 0.001%). This variant has not been reported in the literature in individuals affected with TMEM237-related conditions. ClinVar contains an entry for this variant (Variation ID: 1461906). Algorithms developed to predict the effect of missense changes on protein structure and function are either unavailable or do not agree on the potential impact of this missense change (SIFT: "Deleterious"; PolyPhen-2: "Benign"; Align-GVGD: "Class C25").

NM_001044385.3(TMEM237):c.854T>C (p.Ile285Thr)

Gene: TMEM237 (transmembrane protein 237; minus strand). Cytogenetic location: 2q33.1.
Variant type: single nucleotide variant.
Coding change: c.854T>C on transcript NM_001044385.3 (MANE Select); coding-DNA position 854, T replaced by C.
Protein change: p.Ile285Thr; replaces isoleucine 285 with threonine.
Molecular consequence: missense variant.
Genome position (GRCh38, 1-based): chr2:201,629,245, A>G on the plus strand (T>C on the coding strand, the complement: TMEM237 is on the minus strand). VCF-style: chr2-201629245-A-G. GRCh37 (hg19) VCF-style: chr2-202493968-A-G.
Other names: c.830T>C, p.Ile277Thr (NM_152388.4); short protein forms I277T, I285T.
Identifiers: ClinVar variation 1461906 (VCV001461906.6), dbSNP rs1343901400, ClinGen allele CA350308438.
Genomic context (GRCh38, chr2:201,629,245, plus strand): 5'-TTTCCTCCTGAAGAAGTTAGACAGATCTGGAGTCATAGGCATTACCTGTCAAAAGCTGAA[A>G]TTGTACTCAGAGCCAAAAGCAAGTACAGAAGACTCTGGAATGGATACGCTAGGGTCTTGT-3'
Protein context (NP_001037850.1, residues 275-295): LLYLLLALST[Ile285Thr]SAFDRIDFAK